The following is an entry in ClinVar:

ClinVar aggregate classification (germline): Uncertain significance (1 of 4 stars; one submission).

Allele frequency attached by ClinVar (database versions not stated): gnomAD exomes below 0.00001; TOPMed below 0.00001; gnomAD 0.00001.
gnomAD v4.1: 6 of 1,614,106 alleles (0.00037%); highest among the groups gnomAD compares: Non-Finnish European, 0.000085%; no homozygotes.

Submission:

Labcorp Genetics (formerly Invitae), Labcorp
Classification: Uncertain significance. Last evaluated: 2023-12-18. Review status: criteria provided, single submitter. Criteria: Invitae Variant Classification Sherloc (09022015). Collection method: clinical testing. Allele origin: germline.
Comment: This sequence change replaces threonine, which is neutral and polar, with serine, which is neutral and polar, at codon 254 of the NSMCE3 protein (p.Thr254Ser). This variant is not present in population databases (gnomAD no frequency). This variant has not been reported in the literature in individuals affected with NSMCE3-related conditions. ClinVar contains an entry for this variant (Variation ID: 1384651). Advanced modeling of protein sequence and biophysical properties (such as structural, functional, and spatial information, amino acid conservation, physicochemical variation, residue mobility, and thermodynamic stability) performed at Invitae indicates that this missense variant is not expected to disrupt NSMCE3 protein function with a negative predictive value of 80%. In summary, the available evidence is currently insufficient to determine the role of this variant in disease. Therefore, it has been classified as a Variant of Uncertain Significance.

NM_138704.4(NSMCE3):c.760A>T (p.Thr254Ser)

Genes: ENTREP2 (endosomal transmembrane epsin interactor 2; minus strand), NSMCE3 (NSE3 homolog, SMC5-SMC6 complex component; minus strand). Cytogenetic location: 15q13.1.
Variant type: single nucleotide variant.
Coding change: c.760A>T on transcript NM_138704.4 (MANE Select); coding-DNA position 760, A replaced by T.
Protein change: p.Thr254Ser; replaces threonine 254 with serine.
Molecular consequence: missense variant. On other transcripts: intron variant (5).
Genome position (GRCh38, 1-based): chr15:29,268,946, T>A on the plus strand (A>T on the coding strand, the complement: NSMCE3 is on the minus strand). VCF-style: chr15-29268946-T-A. GRCh37 (hg19) VCF-style: chr15-29561150-T-A.
Other names: c.-12-16468A>T (NM_001387217.1, NM_001387215.1, NM_001387216.1); c.277-16468A>T (NM_001387214.1, NM_015307.2); short protein forms T254S.
Identifiers: ClinVar variation 1384651 (VCV001384651.6), dbSNP rs2043541977, ClinGen allele CA391483550.
Genomic context (GRCh38, chr15:29,268,946, plus strand): 5'-CTTGATTATGGACCTTGGCCACAAACTTAAGAACTTTCATCTTGCTGGTTTCCAGGTTGG[T>A]TCGCGGGCCCCACTGGAATTCGTAGTCGACGGGGTCGGTGTGGGGTATCCGCCGGTATTC-3'
Protein context (NP_619649.1, residues 244-264): VDYEFQWGPR[Thr254Ser]NLETSKMKVL